The following is an entry in ClinVar:

ClinVar aggregate classification (germline): Uncertain significance. Review status: criteria provided, multiple submitters, no conflicts (2 of 4 stars). 2 submissions from 2 submitters: Uncertain significance (2). Last evaluated 2022-11-03.

Conditions:
Inborn genetic diseases. Identifiers: MedGen C0950123, MeSH D030342.

Allele frequency attached by ClinVar (database versions not stated): TOPMed below 0.00001; ExAC 0.00001.
gnomAD v4.1: 8 of 1,614,104 alleles (0.0005%); highest among the groups gnomAD compares: African/African-American, 0.0027%; no homozygotes.

Submissions (2):

GeneDx
Classification: Uncertain significance. Last evaluated: 2022-11-03. Review status: criteria provided, single submitter. Criteria: GeneDx Variant Classification Process June 2021. Collection method: clinical testing. Allele origin: germline. Affected: yes.
Comment: In silico analysis supports that this missense variant does not alter protein structure/function; Has not been previously published as pathogenic or benign to our knowledge

Ambry Genetics
Classification: Uncertain significance for Inborn genetic diseases. Last evaluated: 2022-05-03. Review status: criteria provided, single submitter. Criteria: Ambry Variant Classification Scheme 2023. Collection method: clinical testing. Allele origin: germline.
Comment: The p.P373S variant (also known as c.1117C>T), located in coding exon 7 of the TFG gene, results from a C to T substitution at nucleotide position 1117. The proline at codon 373 is replaced by serine, an amino acid with similar properties. This amino acid position is conserved. In addition, the in silico prediction for this alteration is inconclusive. Since supporting evidence is limited at this time, the clinical significance of this alteration remains unclear.

NM_006070.6(TFG):c.1117C>T (p.Pro373Ser)

Gene: TFG (trafficking from ER to golgi regulator; plus strand). Cytogenetic location: 3q12.2.
Variant type: single nucleotide variant.
Coding change: c.1117C>T on transcript NM_006070.6 (MANE Select); coding-DNA position 1117, C replaced by T.
Protein change: p.Pro373Ser; replaces proline 373 with serine.
Molecular consequence: missense variant.
Genome position (GRCh38, 1-based): chr3:100,748,445, C>T. VCF-style: chr3-100748445-C-T. GRCh37 (hg19) VCF-style: chr3-100467289-C-T.
Other names: c.1117C>T, p.Pro373Ser (NM_001007565.2, NM_001195478.2); c.1105C>T, p.Pro369Ser (NM_001195479.2); short protein forms P369S, P373S.
Identifiers: ClinVar variation 1796534 (VCV001796534.3), dbSNP rs771095995, ClinGen allele CA2517254.
Genomic context (GRCh38, chr3:100,748,445, plus strand): 5'-CAACCTGGGGCCTATCAACCAAGACCAGGTTTTACTTCACTTCCTGGAAGTACCATGACC[C>T]CTCCTCCAAGTGGGCCTAATCCTTATGCGCGTAACCGTCCTCCCTTTGGTCAGGGCTATA-3'
Protein context (NP_006061.2, residues 363-383): FTSLPGSTMT[Pro373Ser]PPSGPNPYAR